The following is an entry in ClinVar:

ClinVar aggregate classification (germline): Pathogenic (1 of 4 stars; one submission).

Conditions:
Familial cancer of breast. Also called: hereditary breast carcinoma; BREAST CANCER, FAMILIAL; Hereditary breast cancer. Identifiers: Orphanet 227535, MedGen C0346153, MONDO:0016419, OMIM 114480. Disease mechanism: loss of function.

Submission:

Myriad Genetics, Inc.
Classification: Pathogenic for Familial cancer of breast. Last evaluated: 2025-08-19. Review status: criteria provided, single submitter. Criteria: Myriad Autosomal Dominant, Autosomal Recessive and X-Linked Classification Criteria (2023). Collection method: clinical testing. Allele origin: unknown.
Comment: This variant is considered pathogenic. This variant creates a frameshift predicted to result in premature protein truncation.

NM_032043.3(BRIP1):c.1511_1515dup (p.Pro506fs)

Gene: BRIP1 (BRCA1 interacting DNA helicase 1; minus strand). Cytogenetic location: 17q23.2.
Variant type: Duplication.
Coding change: c.1511_1515dup on transcript NM_032043.3 (MANE Select); coding-DNA positions 1511 to 1515, 5 bases duplicated (TCTCA; older notation c.1511_1515dupTCTCA).
Protein change: p.Pro506fs; shifts the reading frame from proline 506.
Molecular consequence: frameshift variant.
Genome position (GRCh38, 1-based): chr17:61,784,383-61,784,387, TGAGA duplicated on the plus strand (TCTCA on the coding strand, the reverse complement: BRIP1 is on the minus strand); duplicating any 5 consecutive bases within chr17:61,784,383-61,784,388 gives the same sequence; the c. name uses the placement nearest the transcript's 3' end. VCF-style (leftmost placement, unchanged base first): chr17-61784382-G-GTGAGA. GRCh37 (hg19) VCF-style: chr17-59861743-G-GTGAGA.
Other names: short protein forms P506fs.
Identifiers: ClinVar variation 4294256 (VCV004294256.1).